The following is an entry in ClinVar:

ClinVar aggregate classification (germline): Uncertain significance. Review status: criteria provided, multiple submitters, no conflicts (2 of 4 stars). 2 submissions from 2 submitters: Uncertain significance (2). Last evaluated 2024-10-19.

Conditions:
Brown-Vialetto-van Laere syndrome 2. Also called: SPINOCEREBELLAR ATAXIA WITH BLINDNESS AND DEAFNESS 2; Riboflavin transporter deficiency type 2. Identifiers: Orphanet 572543, Orphanet 97229, MedGen C3553538, MONDO:0013867, OMIM 614707.

Submissions (2):

GeneDx
Classification: Uncertain significance. Last evaluated: 2024-10-19. Review status: criteria provided, single submitter. Criteria: GeneDx Variant Classification Process June 2021. Collection method: clinical testing. Allele origin: germline. Affected: yes.
Comment: Not observed at significant frequency in large population cohorts (gnomAD); In-frame deletion of 1 of amino acid(s) in a repetitive region with no known function; Has not been previously published as pathogenic or benign to our knowledge

Labcorp Genetics (formerly Invitae), Labcorp
Classification: Uncertain significance for Brown-Vialetto-van Laere syndrome 2. Last evaluated: 2021-08-31. Review status: criteria provided, single submitter. Criteria: Invitae Variant Classification Sherloc (09022015). Collection method: clinical testing. Allele origin: germline.
Comment: This variant, c.664_666del, results in the deletion of 1 amino acid(s) of the SLC52A2 protein (p.Pro222del), but otherwise preserves the integrity of the reading frame. This variant is not present in population databases (ExAC no frequency). This variant has not been reported in the literature in individuals affected with SLC52A2-related conditions. Experimental studies and prediction algorithms are not available or were not evaluated, and the functional significance of this variant is currently unknown. In summary, the available evidence is currently insufficient to determine the role of this variant in disease. Therefore, it has been classified as a Variant of Uncertain Significance.

NM_001363118.2(SLC52A2):c.658CCA[2] (p.Pro222del)

Gene: SLC52A2 (solute carrier family 52 member 2; plus strand). Cytogenetic location: 8q24.3.
Variant type: Microsatellite.
Coding change: c.658CCA[2] on transcript NM_001363118.2 (MANE Select); two copies in a row of the 3-base unit CCA starting at c.658; the reference has three copies in a row; one copy, 3 bases deleted.
Protein change: p.Pro222del; deletes proline 222.
Molecular consequence: inframe deletion. On other transcripts: non-coding transcript variant (1).
Genome position (GRCh38, 1-based): chr8:144,360,156-144,360,158, CCA deleted; deleting any 3 consecutive bases within chr8:144,360,150-144,360,158 gives the same sequence; the position shown is the placement nearest the transcript's 3' end. VCF-style (leftmost placement, unchanged base first): chr8-144360149-GCCA-G. GRCh37 (hg19) VCF-style: chr8-145583809-GCCA-G.
Other names: c.658CCA[2], p.Pro222del (NM_001253815.2, NM_001253816.2, NM_001363120.2 and 2 more transcripts); c.166CCA[2], p.Pro58del (NM_001363122.2); short protein forms P58del, P222del.
Identifiers: ClinVar variation 972269 (VCV000972269.5), dbSNP rs1411614875, ClinGen allele CA848870629.